The following is an entry in ClinVar:

NM_001130009.3(GEN1):c.538G>T (p.Asp180Tyr)

Gene: GEN1 (GEN1 structure-specific endonuclease; plus strand). Cytogenetic location: 2p24.2.
Variant type: single nucleotide variant.
Coding change: c.538G>T on transcript NM_001130009.3 (MANE Select); coding-DNA position 538, G replaced by T.
Protein change: p.Asp180Tyr; replaces aspartic acid 180 with tyrosine.
Molecular consequence: missense variant.
Genome position (GRCh38, 1-based): chr2:17,766,591, G>T. VCF-style: chr2-17766591-G-T. GRCh37 (hg19) VCF-style: chr2-17947858-G-T.
Other names: c.538G>T, p.Asp180Tyr (NM_182625.5); short protein forms D180Y.
Identifiers: ClinVar variation 4858006 (VCV004858006.1).
Genomic context (GRCh38, chr2:17,766,591, plus strand): 5'-ATAAATATGTACTTTTTGAGGATTAAACTAAATCTGTTCTTTCTTTAGGACCCACATGTT[G>T]ACTGTTACACAATGTCATCTATCAAGAGTAAACTAGGTTTGGATAGAGATGCTCTGGTTG-3'
Protein context (NP_001123481.3, residues 170-190): FTMNTKDPHV[Asp180Tyr]CYTMSSIKSK

ClinVar aggregate classification (germline): Uncertain significance (1 of 4 stars; one submission).

gnomAD v4.1: 7 of 1,582,952 alleles (0.00044%); highest among the groups gnomAD compares: South Asian, 0.0079%; 1 homozygote.

Submission:

Ambry Genetics
Classification: Uncertain significance. Last evaluated: 2026-06-04. Review status: criteria provided, single submitter. Criteria: Ambry Variant Classification Scheme 2023. Collection method: clinical testing. Allele origin: germline.
Comment: The p.D180Y variant (also known as c.538G>T), located in coding exon 4 of the GEN1 gene, results from a G to T substitution at nucleotide position 538. The aspartic acid at codon 180 is replaced by tyrosine, an amino acid with highly dissimilar properties. This amino acid position is conserved. In addition, this alteration is predicted to be deleterious by in silico analysis. Based on the available evidence, the clinical significance of this variant remains unclear.